The following is an entry in ClinVar:

NM_178170.3(NEK8):c.1092C>T (p.Gly364=)

Gene: NEK8 (NIMA related kinase 8; plus strand). Cytogenetic location: 17q11.2.
Variant type: single nucleotide variant.
Coding change: c.1092C>T on transcript NM_178170.3 (MANE Select); coding-DNA position 1092, C replaced by T.
Protein change: p.Gly364=; no amino-acid change (glycine 364 retained).
Molecular consequence: synonymous variant.
Genome position (GRCh38, 1-based): chr17:28,738,115, C>T. VCF-style: chr17-28738115-C-T. GRCh37 (hg19) VCF-style: chr17-27065133-C-T.
Other names: c.1092C>T (NM_178170.2).
Identifiers: ClinVar variation 1160103 (VCV001160103.9), dbSNP rs201321032, ClinGen allele CA8467307.

ClinVar aggregate classification (germline): Likely benign. Review status: criteria provided, multiple submitters, no conflicts (2 of 4 stars). 3 submissions from 3 submitters: Likely benign (3). Last evaluated 2025-04-14.

Conditions:
Nephronophthisis 9 (NPHP9). Identifiers: Orphanet 655, MedGen C3151188, MONDO:0013444, OMIM 613824.
NEK8-related disorder. Also called: NEK8-related condition.
Renal-hepatic-pancreatic dysplasia 2 (RHPD2). Identifiers: MedGen C3809434, MONDO:0014174, OMIM 615415.

Allele frequency attached by ClinVar (database versions not stated): gnomAD 0.00001 and 0.00005; TOPMed 0.00002; gnomAD exomes 0.00005 and 0.00008; ExAC 0.00006; 1000 Genomes Project 30x 0.00047; 1000 Genomes Project 0.00060.
gnomAD v4.1: 85 of 1,613,772 alleles (0.0053%); highest among the groups gnomAD compares: South Asian, 0.068%; 2 homozygotes.

Submissions (3):

Labcorp Genetics (formerly Invitae), Labcorp
Classification: Likely benign for Nephronophthisis 9. Last evaluated: 2025-04-14. Review status: criteria provided, single submitter. Criteria: Invitae Variant Classification Sherloc (09022015). Collection method: clinical testing. Allele origin: germline.

PreventionGenetics, part of Exact Sciences
Classification: Likely benign for NEK8-related condition. Last evaluated: 2024-10-22. Review status: criteria provided, single submitter. Criteria: ACMG Guidelines, 2015. Collection method: clinical testing. Allele origin: germline.
Comment: This variant is classified as likely benign based on ACMG/AMP sequence variant interpretation guidelines (Richards et al. 2015 PMID: 25741868, with internal and published modifications).

Fulgent Genetics
Classification: Likely benign for Nephronophthisis 9; Renal-hepatic-pancreatic dysplasia 2. Last evaluated: 2021-07-06. Review status: criteria provided, single submitter. Criteria: ACMG Guidelines, 2015. Collection method: clinical testing. Allele origin: unknown.